The following is an entry in ClinVar:

ClinVar aggregate classification (germline): Uncertain significance. Review status: criteria provided, multiple submitters, no conflicts (2 of 4 stars). 2 submissions from 2 submitters: Uncertain significance (2). Last evaluated 2025-03-18.

Conditions:
Inborn genetic diseases. Identifiers: MedGen C0950123, MeSH D030342.
PKHD1-related disorder. Also called: PKHD1-related condition.

gnomAD v4.1: 3 of 1,613,596 alleles (0.00019%); highest among the groups gnomAD compares: Non-Finnish European, 0.00025%; no homozygotes.

Submissions (2):

PreventionGenetics, part of Exact Sciences
Classification: Uncertain significance for PKHD1-related condition. Last evaluated: 2025-03-18. Review status: criteria provided, single submitter. Criteria: ACMG Guidelines, 2015. Collection method: clinical testing. Allele origin: germline.
Comment: The PKHD1 c.8780T>C variant is predicted to result in the amino acid substitution p.Leu2927Pro. To our knowledge, this variant has not been reported in the literature or in a large population database, indicating this variant is rare. At this time, the clinical significance of this variant is uncertain due to the absence of conclusive functional and genetic evidence.

Ambry Genetics
Classification: Uncertain significance for Inborn genetic diseases. Last evaluated: 2024-04-20. Review status: criteria provided, single submitter. Criteria: Ambry Variant Classification Scheme 2023. Collection method: clinical testing. Allele origin: germline.

NM_138694.4(PKHD1):c.8780T>C (p.Leu2927Pro)

Gene: PKHD1 (PKHD1 ciliary IPT domain containing fibrocystin/polyductin; minus strand). Cytogenetic location: 6p12.3.
Variant type: single nucleotide variant.
Coding change: c.8780T>C on transcript NM_138694.4 (MANE Select); coding-DNA position 8780, T replaced by C.
Protein change: p.Leu2927Pro; replaces leucine 2927 with proline.
Molecular consequence: missense variant.
Genome position (GRCh38, 1-based): chr6:51,754,801, A>G on the plus strand (T>C on the coding strand, the complement: PKHD1 is on the minus strand). VCF-style: chr6-51754801-A-G. GRCh37 (hg19) VCF-style: chr6-51619599-A-G.
Other names: c.8780T>C, p.Leu2927Pro (NM_170724.3); short protein forms L2927P.
Identifiers: ClinVar variation 3306990 (VCV003306990.2).